The following is an entry in ClinVar:

NM_001165963.4(SCN1A):c.4408G>C (p.Gly1470Arg)

Genes: SCN1A (sodium voltage-gated channel alpha subunit 1; minus strand), LOC102724058 (uncharacterized LOC102724058; plus strand). Cytogenetic location: 2q24.3.
Variant type: single nucleotide variant.
Coding change: c.4408G>C on transcript NM_001165963.4 (MANE Select); coding-DNA position 4408, G replaced by C.
Protein change: p.Gly1470Arg; replaces glycine 1470 with arginine.
Molecular consequence: missense variant. On other transcripts: non-coding transcript variant (1).
Genome position (GRCh38, 1-based): chr2:165,998,106, C>G on the plus strand (G>C on the coding strand, the complement: SCN1A is on the minus strand). VCF-style: chr2-165998106-C-G. GRCh37 (hg19) VCF-style: chr2-166854616-C-G.
Other names: c.4324G>C, p.Gly1442Arg (NM_001165964.3, NM_001353957.2, NM_001353958.2); c.4408G>C, p.Gly1470Arg (NM_001202435.3, NM_001353948.2); c.4375G>C, p.Gly1459Arg (NM_001353949.2, NM_001353950.2, NM_001353951.2 and 2 more transcripts); c.4372G>C, p.Gly1458Arg (NM_001353954.2, NM_001353955.2); c.4321G>C, p.Gly1441Arg (NM_001353960.2); c.1966G>C, p.Gly656Arg (NM_001353961.2); short protein forms G1458R, G656R, G1470R, G1441R, G1459R, G1442R.
Identifiers: ClinVar variation 939933 (VCV000939933.10), dbSNP rs121917924, ClinGen allele CA349049358.

ClinVar aggregate classification (germline): Uncertain significance (1 of 4 stars; one submission).

Conditions:
Early-infantile DEE. Also called: Early infantile epileptic encephalopathy; Ohtahara syndrome; Early infantile epileptic encephalopathy with suppression bursts. Identifiers: Orphanet 1934, MedGen C0393706, MONDO:0800491.

Submission:

Labcorp Genetics (formerly Invitae), Labcorp
Classification: Uncertain significance for Early-infantile DEE. Last evaluated: 2019-08-29. Review status: criteria provided, single submitter. Criteria: Invitae Variant Classification Sherloc (09022015). Collection method: clinical testing. Allele origin: germline.
Comment: In summary, the available evidence is currently insufficient to determine the role of this variant in disease. Therefore, it has been classified as a Variant of Uncertain Significance. Algorithms developed to predict the effect of missense changes on protein structure and function (SIFT, PolyPhen-2, Align-GVGD) all suggest that this variant is likely to be disruptive, but these predictions have not been confirmed by published functional studies and their clinical significance is uncertain. This variant has not been reported in the literature in individuals with SCN1A-related conditions. This variant is not present in population databases (ExAC no frequency). This sequence change replaces glycine with arginine at codon 1470 of the SCN1A protein (p.Gly1470Arg). The glycine residue is highly conserved and there is a moderate physicochemical difference between glycine and arginine.